The following is an entry in ClinVar:

ClinVar aggregate classification (germline): Uncertain significance. Review status: criteria provided, multiple submitters, no conflicts (2 of 4 stars). 4 submissions from 4 submitters: Uncertain significance (4). Last evaluated 2025-06-20.

Conditions:
Familial isolated arrhythmogenic right ventricular dysplasia. Identifiers: Orphanet 217656, MedGen C4274968, MONDO:0016342.
Arrhythmogenic right ventricular dysplasia 11. Also called: ARRHYTHMOGENIC RIGHT VENTRICULAR DYSPLASIA, FAMILIAL, 11; Arrhythmogenic Right Ventricular Dysplasia/Cardiomyopathy11; Arrhythmogenic right ventricular dysplasia 11 with mild palmoplantar keratoderma and woolly hair. Identifiers: MedGen C1864850, MONDO:0012506, OMIM 610476.
Cardiomyopathy (CMYO). Also called: Cardiomyopathies. Identifiers: Orphanet 167848, MedGen C0878544, MONDO:0004994, HP:0001638. Inheritance: Various modes of inheritance.

Allele frequency attached by ClinVar (database versions not stated): gnomAD exomes below 0.00001.
gnomAD v4.1: 1 of 1,613,996 alleles (0.000062%); highest among the groups gnomAD compares: Non-Finnish European, 0.000085%; no homozygotes.

Submissions (4):

Labcorp Genetics (formerly Invitae), Labcorp
Classification: Uncertain significance for Arrhythmogenic right ventricular dysplasia 11. Last evaluated: 2025-06-20. Review status: criteria provided, single submitter. Criteria: Invitae Variant Classification Sherloc (09022015). Collection method: clinical testing. Allele origin: germline.
Comment: This sequence change affects codon 314 of the DSC2 mRNA. It is a 'silent' change, meaning that it does not change the encoded amino acid sequence of the DSC2 protein. This variant also falls at the last nucleotide of exon 7, which is part of the consensus splice site for this exon. This variant is not present in population databases (gnomAD no frequency). This variant has not been reported in the literature in individuals affected with DSC2-related conditions. ClinVar contains an entry for this variant (Variation ID: 2775185). Variants that disrupt the consensus splice site are a relatively common cause of aberrant splicing (PMID: 17576681, 9536098). Algorithms developed to predict the effect of sequence changes on RNA splicing suggest that this variant may disrupt the consensus splice site. In summary, the available evidence is currently insufficient to determine the role of this variant in disease. Therefore, it has been classified as a Variant of Uncertain Significance.

Laboratory of Genetics, Children's Clinical University Hospital Latvia
Classification: Uncertain significance. Last evaluated: 2025-02-16. Review status: criteria provided, single submitter. Criteria: ACMG Guidelines, 2015. Collection method: clinical testing. Allele origin: germline. Affected: yes.

All of Us Research Program, National Institutes of Health
Classification: Uncertain significance for Familial isolated arrhythmogenic right ventricular dysplasia. Last evaluated: 2024-05-09. Review status: criteria provided, single submitter. Criteria: ACMG Guidelines, 2015. Collection method: clinical testing. Allele origin: germline. Inheritance: Autosomal dominant inheritance. Observed: 1 variant allele, 1 heterozygote.
Comment: This synonymous variant does not change the amino acid sequence of the DSC2 protein. Splice site prediction tools predict that this variant may have a significant impact on RNA splicing. However, this prediction has not been confirmed in published RNA studies. This variant has not been reported in individuals affected with cardiovascular disorders in the literature. This variant has not been identified in the general population by the Genome Aggregation Database (gnomAD). The available evidence is insufficient to determine the role of this variant in disease conclusively. Therefore, this variant is classified as a Variant of Uncertain Significance.

This study involves interpretation of variants in research participants for the purpose of population health screening. Participant phenotype was not available at the time of variant classification. Additional details can be found in publication PMID: 35346344, PMCID: PMC8962531

Color Diagnostics, LLC DBA Color Health
Classification: Uncertain significance for Cardiomyopathy. Last evaluated: 2021-08-30. Review status: criteria provided, single submitter. Criteria: ACMG Guidelines, 2015. Collection method: clinical testing. Allele origin: germline.
Comment: This synonymous variant does not change the amino acid sequence of the DSC2 protein. Splice site prediction tools predict that this variant may have a significant impact on RNA splicing. However, this prediction has not been confirmed in published RNA studies. This variant has not been reported in individuals affected with cardiovascular disorders in the literature. This variant has not been identified in the general population by the Genome Aggregation Database (gnomAD). The available evidence is insufficient to determine the role of this variant in disease conclusively. Therefore, this variant is classified as a Variant of Uncertain Significance.

Literature cited by the submitters: PubMed 17576681 (cited by Labcorp Genetics (formerly Invitae), Labcorp); PubMed 9536098 (cited by Labcorp Genetics (formerly Invitae), Labcorp).

NM_024422.6(DSC2):c.942G>A (p.Glu314=)

Gene: DSC2 (desmocollin 2; minus strand). Cytogenetic location: 18q12.1.
Variant type: single nucleotide variant.
Coding change: c.942G>A on transcript NM_024422.6 (MANE Select); coding-DNA position 942, G replaced by A.
Protein change: p.Glu314=; no amino-acid change (glutamic acid 314 retained).
Molecular consequence: synonymous variant.
Genome position (GRCh38, 1-based): chr18:31,086,576, C>T on the plus strand (G>A on the coding strand, the complement: DSC2 is on the minus strand). VCF-style: chr18-31086576-C-T. GRCh37 (hg19) VCF-style: chr18-28666539-C-T.
Other names: c.513G>A, p.Glu171= (NM_001406506.1, NM_001406507.1); c.942G>A, p.Glu314= (NM_004949.5).
Identifiers: ClinVar variation 2775185 (VCV002775185.5), dbSNP rs2510951090, ClinGen allele CA503388470.